The following is an entry in ClinVar:

NM_000168.6(GLI3):c.*2050T>G

Gene: GLI3 (GLI family zinc finger 3; minus strand). Cytogenetic location: 7p14.1.
Variant type: single nucleotide variant.
Coding change: c.*2050T>G on transcript NM_000168.6 (MANE Select); 2050 bases downstream of the stop codon, T replaced by G.
Molecular consequence: 3 prime UTR variant.
Genome position (GRCh38, 1-based): chr7:41,962,280, A>C on the plus strand (T>G on the coding strand, the complement: GLI3 is on the minus strand). VCF-style: chr7-41962280-A-C. GRCh37 (hg19) VCF-style: chr7-42001878-A-C.
Identifiers: ClinVar variation 908613 (VCV000908613.4), dbSNP rs573860484, ClinGen allele CA156899274.

ClinVar aggregate classification (germline): Benign. Review status: criteria provided, single submitter (1 of 4 stars). 3 submissions from 1 submitter: Benign (3). Last evaluated 2018-01-12.

Conditions:
Polydactyly. Also called: polydactylism. Identifiers: MedGen C0152427, MONDO:0021003, OMIM 603596, HP:0010442.
Pallister-Hall syndrome (PHS). Also called: HYPOTHALAMIC HAMARTOBLASTOMA, HYPOPITUITARISM, IMPERFORATE ANUS, AND POSTAXIAL POLYDACTYLY; GLI3-Related Pallister-Hall Syndrome. Identifiers: Orphanet 672, MedGen C0265220, MONDO:0007804, OMIM 146510.
Greig cephalopolysyndactyly syndrome (GCPS). Also called: Greig syndrome; POLYSYNDACTYLY WITH PECULIAR SKULL SHAPE; GLI3-Related Greig Cephalopolysyndactyly Syndrome. Identifiers: Orphanet 380, MedGen C0265306, MONDO:0008287, OMIM 175700.

Allele frequency attached by ClinVar (database versions not stated): gnomAD below 0.00001 and 0.00033; TOPMed 0.00007; 1000 Genomes Project 30x 0.00250; 1000 Genomes Project 0.00260.

Submissions (3):

Illumina Laboratory Services, Illumina
Classification: Benign for Pallister-Hall syndrome. Last evaluated: 2018-01-12. Review status: criteria provided, single submitter. Criteria: ICSL Variant Classification Criteria 13 December 2019. Collection method: clinical testing. Allele origin: germline.
Comment: This variant was observed in the ICSL laboratory as part of a predisposition screen in an ostensibly healthy population. It had not been previously curated by ICSL or reported in the Human Gene Mutation Database (HGMD: prior to June 1st, 2018), and was therefore a candidate for classification through an automated scoring system. Utilizing variant allele frequency, disease prevalence and penetrance estimates, and inheritance mode, an automated score was calculated to assess if this variant is too frequent to cause the disease. Based on the score and internal cut-off values, a variant classified as benign is not then subjected to further curation. The score for this variant resulted in a classification of benign for this disease.

Illumina Laboratory Services, Illumina
Classification: Benign for Polydactyly. Last evaluated: 2018-01-12. Review status: criteria provided, single submitter. Criteria: ICSL Variant Classification Criteria 13 December 2019. Collection method: clinical testing. Allele origin: germline.
Comment: the same text as in the submission from Illumina Laboratory Services, Illumina above.

Illumina Laboratory Services, Illumina
Classification: Benign for Greig cephalopolysyndactyly syndrome. Last evaluated: 2018-01-12. Review status: criteria provided, single submitter. Criteria: ICSL Variant Classification Criteria 13 December 2019. Collection method: clinical testing. Allele origin: germline.
Comment: the same text as in the submission from Illumina Laboratory Services, Illumina above.